The following is an entry in ClinVar:

ClinVar aggregate classification (germline): Conflicting classifications of pathogenicity. Review status: criteria provided, conflicting classifications (1 of 4 stars). 15 submissions from 15 submitters: Uncertain significance (13); Benign (1). 1 of the submissions does not count toward it. Last evaluated 2026-01-05.

Conditions:
Classic or attenuated familial adenomatous polyposis. Identifiers: MedGen CN372698, MONDO:0021057.
APC-Associated Polyposis Disorders.
Hereditary cancer-predisposing syndrome. Also called: Tumor predisposition; Hereditary neoplastic syndrome; Hereditary Cancer Syndrome; Neoplastic Syndromes, Hereditary. Identifiers: Orphanet 140162, MedGen C0027672, MeSH D009386, MONDO:0015356.
Familial adenomatous polyposis 1 (FAP1). Also called: POLYPOSIS, ADENOMATOUS INTESTINAL; FAMILIAL ADENOMATOUS POLYPOSIS 1, ATTENUATED. Identifiers: MedGen C2713442, MONDO:0021056, OMIM 175100. Disease mechanism: loss of function.

Allele frequency attached by ClinVar (database versions not stated): gnomAD 0.00001; TOPMed 0.00002.
gnomAD v4.1: 101 of 1,613,924 alleles (0.0063%); highest among the groups gnomAD compares: Non-Finnish European, 0.0084%; no homozygotes.

Submissions (15):

Labcorp Genetics (formerly Invitae), Labcorp
Classification: Uncertain significance for Familial adenomatous polyposis 1. Last evaluated: 2026-01-05. Review status: criteria provided, single submitter. Criteria: Invitae Variant Classification Sherloc (09022015). Collection method: clinical testing. Allele origin: germline.
Comment: This sequence change replaces glutamic acid, which is acidic and polar, with aspartic acid, which is acidic and polar, at codon 2463 of the APC protein (p.Glu2463Asp). This variant is present in population databases (rs587782127, gnomAD 0.0009%). This missense change has been observed in individual(s) with colorectal cancer (PMID: 29684080, 35534704). ClinVar contains an entry for this variant (Variation ID: 141943). Invitae Evidence Modeling of protein sequence and biophysical properties (such as structural, functional, and spatial information, amino acid conservation, physicochemical variation, residue mobility, and thermodynamic stability) indicates that this missense variant is not expected to disrupt APC protein function with a negative predictive value of 95%. In summary, the available evidence is currently insufficient to determine the role of this variant in disease. Therefore, it has been classified as a Variant of Uncertain Significance.

Ambry Genetics
Classification: Benign for Hereditary cancer-predisposing syndrome. Last evaluated: 2025-12-11. Review status: criteria provided, single submitter. Criteria: Ambry Variant Classification Scheme 2023. Collection method: clinical testing. Allele origin: germline.

Center for Genomic Medicine, Rigshospitalet, Copenhagen University Hospital
Classification: Uncertain significance. Last evaluated: 2025-03-04. Review status: criteria provided, single submitter. Criteria: ACMG Guidelines, 2015. Collection method: clinical testing. Allele origin: germline.

ARUP Laboratories, Molecular Genetics and Genomics, ARUP Laboratories
Classification: Uncertain significance. Last evaluated: 2025-01-28. Review status: criteria provided, single submitter. Criteria: ARUP Molecular Germline Variant Investigation Process 2024. Collection method: clinical testing. Allele origin: germline.
Comment: The APC c.7389A>C; p.Glu2463Asp variant (rs587782127, ClinVar Variation ID: 141943) is reported in the literature in two individuals affected with colorectal cancer (de Oliveira 2022) and in various cancer cohorts (Pritchard 2018, Yehia 2018, Young 2018). This variant is only observed on two alleles in the Genome Aggregation Database (v2.1.1), indicating it is not a common polymorphism. Computational analyses are uncertain whether this variant is neutral or deleterious (REVEL: 0.412). Due to limited information, the clinical significance of this variant is uncertain at this time. References: de Oliveira JM et al. The genetics of hereditary cancer risk syndromes in Brazil: a comprehensive analysis of 1682 patients. Eur J Hum Genet. 2022 Jul;30(7):818-823. PMID: 35534704. Pritchard AL et al. Germline mutations in candidate predisposition genes in individuals with cutaneous melanoma and at least two independent additional primary cancers. PLoS One. 2018 Apr 11;13(4):e0194098. PMID: 29641532. Yehia L et al. Unexpected cancer-predisposition gene variants in Cowden syndrome and Bannayan-Riley-Ruvalcaba syndrome patients without underlying germline PTEN mutations. PLoS Genet. 2018 Apr 23;14(4):e1007352. PMID: 29684080. Young EL et al. Pancreatic cancer as a sentinel for hereditary cancer predisposition. BMC Cancer. 2018 Jun 27;18(1):697. PMID: 29945567.

Color Diagnostics, LLC DBA Color Health
Classification: Uncertain significance for Hereditary cancer-predisposing syndrome. Last evaluated: 2024-10-07. Review status: criteria provided, single submitter. Criteria: ACMG Guidelines, 2015. Collection method: clinical testing. Allele origin: germline.
Comment: This missense variant replaces glutamic acid with aspartic acid at codon 2463 of the APC protein. Computational prediction suggests that this variant may not impact protein structure and function (internally defined REVEL score threshold <= 0.5, PMID: 27666373). To our knowledge, functional studies have not been reported for this variant. This variant has been reported in individuals affected with colorectal cancer (PMID: 29684080, 35534704). This variant has been identified in 2/251058 chromosomes in the general population by the Genome Aggregation Database (gnomAD). The available evidence is insufficient to determine the role of this variant in disease conclusively. Therefore, this variant is classified as a Variant of Uncertain Significance.

Quest Diagnostics Nichols Institute San Juan Capistrano
Classification: Uncertain significance. Last evaluated: 2024-10-02. Review status: criteria provided, single submitter. Criteria: Quest Diagnostics criteria. Collection method: clinical testing. Allele origin: unknown.
Comment: The APC c.7389A>C (p.Glu2463Asp) variant has been reported in the published literature in individuals with a personal and/or family history of breast cancer (PMID: 38874686 (2024), 35534704 (2022), melanoma (PMID: 29641532 (2018)), colon cancer (PMID: 29684080 (2018)), and pancreatic cancer (PMID: 29945567 (2018)). The frequency of this variant in the general population, 0.000008 (2/251058 chromosomes (Genome Aggregation Database)), is uninformative in the assessment of its pathogenicity. Analysis of this variant using bioinformatics tools for the prediction of the effect of amino acid changes on protein structure and function yielded conflicting predictions that this variant is benign or damaging. Based on the available information, we are unable to determine the clinical significance of this variant.

All of Us Research Program, National Institutes of Health
Classification: Uncertain significance for Classic or attenuated familial adenomatous polyposis. Last evaluated: 2024-09-23. Review status: criteria provided, single submitter. Criteria: ACMG Guidelines, 2015. Collection method: clinical testing. Allele origin: germline. Inheritance: Autosomal dominant inheritance. Observed: 8 variant alleles, 8 heterozygotes.
Comment: This missense variant replaces glutamic acid with aspartic acid at codon 2463 of the APC protein. Computational prediction suggests that this variant may not impact protein structure and function (internally defined REVEL score threshold <= 0.5, PMID: 27666373). To our knowledge, functional studies have not been reported for this variant. This variant has been reported in individuals affected with colorectal cancer (PMID: 29684080, 35534704). This variant has been identified in 2/251058 chromosomes in the general population by the Genome Aggregation Database (gnomAD). The available evidence is insufficient to determine the role of this variant in disease conclusively. Therefore, this variant is classified as a Variant of Uncertain Significance.

This study involves interpretation of variants in research participants for the purpose of population health screening. Participant phenotype was not available at the time of variant classification. Additional details can be found in publication PMID: 35346344, PMCID: PMC8962531

GeneDx
Classification: Uncertain significance. Last evaluated: 2024-08-16. Review status: criteria provided, single submitter. Criteria: GeneDx Variant Classification Process June 2021. Collection method: clinical testing. Allele origin: germline.
Comment: Not observed at significant frequency in large population cohorts (gnomAD); In silico analysis indicates that this missense variant does not alter protein structure/function; Observed in individuals with colon and/or kidney cancer (PMID: 29684080, 35534704); This variant is associated with the following publications: (PMID: 29945567, 29641532, 29684080, 35534704)

Baylor Genetics
Classification: Uncertain significance for Familial adenomatous polyposis 1. Last evaluated: 2024-03-06. Review status: criteria provided, single submitter. Criteria: ACMG Guidelines, 2015. Collection method: clinical testing. Allele origin: unknown.

CeGaT Center for Human Genetics Tuebingen
Classification: Uncertain significance. Last evaluated: 2024-03-01. Review status: criteria provided, single submitter. Criteria: CeGaT Center For Human Genetics Tuebingen Variant Classification Criteria Version 2. Collection method: clinical testing. Allele origin: germline. Affected: yes. Observed: 1 variant allele.
Comment: APC: PM2, PS4:Supporting, BP1

Women's Health and Genetics/Laboratory Corporation of America, LabCorp
Classification: Uncertain significance. Last evaluated: 2023-03-17. Review status: criteria provided, single submitter. Criteria: LabCorp Variant Classification Summary - May 2015. Collection method: clinical testing. Allele origin: germline.
Comment: Variant summary: APC c.7389A>C (p.Glu2463Asp) results in a conservative amino acid change located in the Adenomatous polyposis coli protein basic domain (IPR009234) of the encoded protein sequence. Three of five in-silico tools predict a benign effect of the variant on protein function. The variant allele was found at a frequency of 8e-06 in 251058 control chromosomes (gnomAD). The available data on variant occurrences in the general population are insufficient to allow any conclusion about variant significance. To our knowledge, no occurrence of c.7389A>C in individuals affected with Familial Adenomatous Polyposis and no experimental evidence demonstrating its impact on protein function have been reported. Eight clinical diagnostic laboratories have submitted clinical-significance assessments for this variant to ClinVar after 2014 and all classified the variant as uncertain significance. Based on the evidence outlined above, the variant was classified as uncertain significance.

Myriad Genetics, Inc.
Classification: Uncertain significance for Familial adenomatous polyposis 1. Last evaluated: 2023-02-17. Review status: criteria provided, single submitter. Criteria: Myriad Autosomal Dominant, Autosomal Recessive and X-Linked Classification Criteria (2023). Collection method: clinical testing. Allele origin: unknown.
Comment: This variant is classified as a variant of uncertain significance as there is insufficient evidence to determine its impact on protein function and/or cancer risk.

Mendelics
Classification: Uncertain significance for Familial adenomatous polyposis 1. Last evaluated: 2019-05-28. Review status: criteria provided, single submitter. Criteria: Mendelics Assertion Criteria 2017. Collection method: clinical testing. Allele origin: unknown.

Illumina Laboratory Services, Illumina
Classification: Uncertain significance for APC-Associated Polyposis Disorders. Last evaluated: 2018-01-13. Review status: criteria provided, single submitter. Criteria: ICSL Variant Classification Criteria 13 December 2019. Collection method: clinical testing. Allele origin: germline.

Counsyl
Classification: Uncertain significance for Familial adenomatous polyposis 1. Last evaluated: 2016-03-21. Review status: no assertion criteria provided. Collection method: clinical testing. Allele origin: unknown. Not counted in ClinVar's aggregate classification.

Literature cited by the submitters: PubMed 29684080 (cited by 4 submitters); PubMed 35534704 (cited by 4 submitters); PubMed 29945567 (cited by Quest Diagnostics Nichols Institute San Juan Capistrano); PubMed 29641532 (cited by Quest Diagnostics Nichols Institute San Juan Capistrano); PubMed 38874686 (cited by Quest Diagnostics Nichols Institute San Juan Capistrano).

NM_000038.6(APC):c.7389A>C (p.Glu2463Asp)

Gene: APC (APC regulator of Wnt signaling pathway; plus strand). Cytogenetic location: 5q22.2.
Variant type: single nucleotide variant.
Coding change: c.7389A>C on transcript NM_000038.6 (MANE Select); coding-DNA position 7389, A replaced by C.
Protein change: p.Glu2463Asp; replaces glutamic acid 2463 with aspartic acid.
Molecular consequence: missense variant.
Genome position (GRCh38, 1-based): chr5:112,842,983, A>C. VCF-style: chr5-112842983-A-C. GRCh37 (hg19) VCF-style: chr5-112178680-A-C.
Other names: c.7389A>C, p.Glu2463Asp (NM_001127510.3, NM_001354895.2); c.7335A>C, p.Glu2445Asp (NM_001127511.3); c.7443A>C, p.Glu2481Asp (NM_001354896.2); c.7419A>C, p.Glu2473Asp (NM_001354897.2); c.7314A>C, p.Glu2438Asp (NM_001354898.2); c.7305A>C, p.Glu2435Asp (NM_001354899.2); c.7266A>C, p.Glu2422Asp (NM_001354900.2); c.7212A>C, p.Glu2404Asp (NM_001354901.2); and 5 more; short protein forms E2445D, E2463D, E2372D, E2438D, E2435D, E2481D, E2180D, E2337D.
Identifiers: ClinVar variation 141943 (VCV000141943.93), dbSNP rs587782127, ClinGen allele CA013632.
Genomic context (GRCh38, chr5:112,842,983, plus strand): 5'-CATCAAAGAAGCTCCAAGCCCAACCTTAAGAAGAAAATTGGAGGAATCTGCTTCATTTGA[A>C]TCTCTTTCTCCATCATCTAGACCAGCTTCTCCCACTAGGTCCCAGGCACAAACTCCAGTT-3'
Protein context (NP_000029.2, residues 2453-2473): RRKLEESASF[Glu2463Asp]SLSPSSRPAS